The following is an entry in ClinVar:

ClinVar aggregate classification (germline): Benign (1 of 4 stars; one submission).

Allele frequency attached by ClinVar (database versions not stated): gnomAD 0.00008; gnomAD exomes 0.00014; ExAC 0.00034; 1000 Genomes Project 30x 0.00078; 1000 Genomes Project 0.00080.
gnomAD v4.1: 218 of 1,612,586 alleles (0.014%); highest among the groups gnomAD compares: South Asian, 0.21%; 3 homozygotes.

Submissions (2):

CeGaT Center for Human Genetics Tuebingen
Classification: Benign. Last evaluated: 2022-03-01. Review status: criteria provided, single submitter. Criteria: CeGaT Center For Human Genetics Tuebingen Variant Classification Criteria Version 2. Collection method: clinical testing. Allele origin: germline. Affected: yes. Observed: 1 variant allele.
Comment: ZFHX3: BS1, BS2

Dr. Peter K. Rogan Lab, Western University
No classification provided (evidence only). Condition: Colon adenocarcinoma. Review status: no classification provided. Collection method: in vitro. Allele origin: not applicable. Functional consequence: retained intron. Not counted in ClinVar's aggregate classification.

NM_006885.4(ZFHX3):c.1917C>T (p.Gly639=)

Gene: ZFHX3 (zinc finger homeobox 3; minus strand). Cytogenetic location: 16q22.3.
Variant type: single nucleotide variant.
Coding change: c.1917C>T on transcript NM_006885.4 (MANE Select); coding-DNA position 1917, C replaced by T.
Protein change: p.Gly639=; no amino-acid change (glycine 639 retained).
Molecular consequence: synonymous variant. On other transcripts: intron variant (1).
Genome position (GRCh38, 1-based): chr16:72,958,229, G>A on the plus strand (C>T on the coding strand, the complement: ZFHX3 is on the minus strand). VCF-style: chr16-72958229-G-A. GRCh37 (hg19) VCF-style: chr16-72992128-G-A.
Other names: NC_000016.9:g.72992128G>A; c.1917C>T, p.Gly639= (NM_001386735.1); c.-23-7264C>T (NM_001164766.2).
Identifiers: ClinVar variation 2646844 (VCV002646844.25), dbSNP rs527561596, ClinGen allele CA8164591.
Genomic context (GRCh38, chr16:72,958,229, plus strand): 5'-CATGTGGCCGCCCAGCGAGCGGGAGGAGCCCAGGACCGTGTCGCATTTGGGGCACTCCAC[G>A]CCACTCCCCGAGGGGCACTCCCCAACCCCAAGCTCGCAGAGGGAGCCAGCGTGCTGGTGA-3'
Protein context (NP_008816.3, residues 629-649): LGVGECPSGS[Gly639=]VECPKCDTVL